The following is an entry in ClinVar:

ClinVar aggregate classification (germline): Uncertain significance (1 of 4 stars; one submission).

Submission:

GeneDx
Classification: Uncertain significance. Last evaluated: 2024-08-25. Review status: criteria provided, single submitter. Criteria: GeneDx Variant Classification Process June 2021. Collection method: clinical testing. Allele origin: germline.
Comment: Not observed at significant frequency in large population cohorts (gnomAD); In silico analysis indicates that this missense variant does not alter protein structure/function; Has not been previously published as pathogenic or benign to our knowledge

NM_001385012.1(NBEA):c.115G>T (p.Gly39Cys)

Gene: NBEA (neurobeachin; plus strand). Cytogenetic location: 13q13.3.
Variant type: single nucleotide variant.
Coding change: c.115G>T on transcript NM_001385012.1 (MANE Select); coding-DNA position 115, G replaced by T.
Protein change: p.Gly39Cys; replaces glycine 39 with cysteine.
Molecular consequence: missense variant.
Genome position (GRCh38, 1-based): chr13:34,942,935, G>T. VCF-style: chr13-34942935-G-T. GRCh37 (hg19) VCF-style: chr13-35517072-G-T.
Other names: c.115G>T, p.Gly39Cys (NM_001379245.1, NM_015678.5); short protein forms G39C.
Identifiers: ClinVar variation 2663023 (VCV002663023.2), dbSNP rs2059074648, ClinGen allele CA387832023.
Genomic context (GRCh38, chr13:34,942,935, plus strand): 5'-CTCATTGCCGTCGGGGCCGCTGGCGGAGGCGGCGGGGGCAGCGGTGGTGGCGGCACCGGG[G>T]GCAGCGGGATGGGGGAGCTAAGGGGGGCGTCCGGCTCCGGCTCGGTGATGCTCCCCGCGG-3'
Protein context (NP_001371941.1, residues 29-49): GGGSGGGGTG[Gly39Cys]SGMGELRGAS